The following is an entry in ClinVar:

NM_001127222.2(CACNA1A):c.2435G>A (p.Arg812Gln)

Gene: CACNA1A (calcium voltage-gated channel subunit alpha1 A; minus strand). Cytogenetic location: 19p13.13.
Variant type: single nucleotide variant.
Coding change: c.2435G>A on transcript NM_001127222.2 (MANE Select); coding-DNA position 2435, G replaced by A.
Protein change: p.Arg812Gln; replaces arginine 812 with glutamine.
Molecular consequence: missense variant.
Genome position (GRCh38, 1-based): chr19:13,299,198, C>T on the plus strand (G>A on the coding strand, the complement: CACNA1A is on the minus strand). VCF-style: chr19-13299198-C-T. GRCh37 (hg19) VCF-style: chr19-13410012-C-T.
Other names: c.2447G>A, p.Arg816Gln (NM_000068.4, NM_023035.3); c.2438G>A, p.Arg813Gln (NM_001127221.2, NM_001174080.2); c.2435G>A (NM_001127222.1); short protein forms R813Q, R812Q, R816Q.
Identifiers: ClinVar variation 387225 (VCV000387225.13), dbSNP rs953797733, ClinGen allele CA16608169.

ClinVar aggregate classification (germline): Uncertain significance. Review status: criteria provided, multiple submitters, no conflicts (2 of 4 stars). 3 submissions from 3 submitters: Uncertain significance (3). Last evaluated 2026-08-09.

Conditions:
CACNA1A-related disorder. Also called: CACNA1A-related condition.
Developmental and epileptic encephalopathy, 42 (DEE42A). Also called: Epileptic encephalopathy, early infantile, 42; DEVELOPMENTAL AND EPILEPTIC ENCEPHALOPATHY 42A; EPILEPTIC ENCEPHALOPATHY, EARLY INFANTILE, 42A. Identifiers: MedGen C4310716, MONDO:0014917, OMIM 617106.
Episodic ataxia type 2 (EA2). Also called: ATAXIA, EPISODIC, WITH NYSTAGMUS; ATAXIA, FAMILIAL PAROXYSMAL; CEREBELLAR ATAXIA, PAROXYSMAL, ACETAZOLAMIDE-RESPONSIVE; CEREBELLOPATHY, HEREDITARY PAROXYSMAL; EPISODIC ATAXIA, NYSTAGMUS-ASSOCIATED; ACETAZOLAMIDE-RESPONSIVE HEREDITARY PAROXYSMAL CEREBELLAR ATAXIA. Identifiers: Orphanet 97, MedGen C1720416, MONDO:0007163, OMIM 108500.

Allele frequency attached by ClinVar (database versions not stated): gnomAD 0.00001; TOPMed 0.00001.
gnomAD v4.1: 2 of 1,612,258 alleles (0.00012%); highest among the groups gnomAD compares: Middle Eastern, 0.016%; no homozygotes.

Submissions (3):

PreventionGenetics, part of Exact Sciences
Classification: Uncertain significance for CACNA1A-related condition. Last evaluated: 2026-08-09. Review status: criteria provided, single submitter. Criteria: ACMG Guidelines, 2015. Collection method: clinical testing. Allele origin: germline.
Comment: The CACNA1A c.2435G>A variant is predicted to result in the amino acid substitution p.Arg812Gln. To our knowledge, this variant has not been reported in the literature. This variant has not been reported in the general population database (gnomAD). At this time, the clinical significance of this variant is uncertain due to the absence of conclusive functional and genetic evidence.

GeneDx
Classification: Uncertain significance. Last evaluated: 2026-02-04. Review status: criteria provided, single submitter. Criteria: GeneDx Variant Classification Process June 2021. Collection method: clinical testing. Allele origin: germline. Affected: yes.
Comment: Not observed at significant frequency in large population cohorts (gnomAD); In silico analysis supports that this missense variant has a deleterious effect on protein structure/function; Has not been previously published as pathogenic or benign to our knowledge

Labcorp Genetics (formerly Invitae), Labcorp
Classification: Uncertain significance for Developmental and epileptic encephalopathy, 42; Episodic ataxia type 2. Last evaluated: 2025-10-10. Review status: criteria provided, single submitter. Criteria: Invitae Variant Classification Sherloc (09022015). Collection method: clinical testing. Allele origin: germline.
Comment: This sequence change replaces arginine, which is basic and polar, with glutamine, which is neutral and polar, at codon 813 of the CACNA1A protein (p.Arg813Gln). This variant is present in population databases (no rsID available, gnomAD no frequency). This variant has not been reported in the literature in individuals affected with CACNA1A-related conditions. ClinVar contains an entry for this variant (Variation ID: 387225). Invitae Evidence Modeling of protein sequence and biophysical properties (such as structural, functional, and spatial information, amino acid conservation, physicochemical variation, residue mobility, and thermodynamic stability) indicates that this missense variant is not expected to disrupt CACNA1A protein function with a negative predictive value of 95%. In summary, the available evidence is currently insufficient to determine the role of this variant in disease. Therefore, it has been classified as a Variant of Uncertain Significance.